The following is an entry in ClinVar:

NM_004525.3(LRP2):c.2455C>T (p.Arg819Cys)

Gene: LRP2 (LDL receptor related protein 2; minus strand). Cytogenetic location: 2q31.1.
Variant type: single nucleotide variant.
Coding change: c.2455C>T on transcript NM_004525.3 (MANE Select); coding-DNA position 2455, C replaced by T.
Protein change: p.Arg819Cys; replaces arginine 819 with cysteine.
Molecular consequence: missense variant.
Genome position (GRCh38, 1-based): chr2:169,259,083, G>A on the plus strand (C>T on the coding strand, the complement: LRP2 is on the minus strand). VCF-style: chr2-169259083-G-A. GRCh37 (hg19) VCF-style: chr2-170115593-G-A.
Other names: c.2455C>T (NM_004525.2); short protein forms R819C.
Identifiers: ClinVar variation 1521817 (VCV001521817.8), dbSNP rs749942746, ClinGen allele CA1955296.

ClinVar aggregate classification (germline): Uncertain significance. Review status: criteria provided, multiple submitters, no conflicts (2 of 4 stars). 3 submissions from 3 submitters: Uncertain significance (3). Last evaluated 2024-03-07.

Conditions:
Inborn genetic diseases. Identifiers: MedGen C0950123, MeSH D030342.
Donnai-Barrow syndrome. Also called: DBS/FOAR SYNDROME; FACIOOCULOACOUSTICORENAL SYNDROME. Identifiers: Orphanet 2143, MedGen C1857277, MONDO:0009104, OMIM 222448.

Allele frequency attached by ClinVar (database versions not stated): ExAC 0.00003; gnomAD 0.00005 and 0.00006; TOPMed 0.00005.
gnomAD v4.1: 37 of 1,613,228 alleles (0.0023%); highest among the groups gnomAD compares: East Asian, 0.0045%; no homozygotes.

Submissions (3):

Fulgent Genetics
Classification: Uncertain significance for Donnai-Barrow syndrome. Last evaluated: 2024-03-07. Review status: criteria provided, single submitter. Criteria: ACMG Guidelines, 2015. Collection method: clinical testing. Allele origin: germline.

Ambry Genetics
Classification: Uncertain significance for Inborn genetic diseases. Last evaluated: 2022-12-19. Review status: criteria provided, single submitter. Criteria: Ambry Variant Classification Scheme 2023. Collection method: clinical testing. Allele origin: germline.

Labcorp Genetics (formerly Invitae), Labcorp
Classification: Uncertain significance. Last evaluated: 2021-12-13. Review status: criteria provided, single submitter. Criteria: Invitae Variant Classification Sherloc (09022015). Collection method: clinical testing. Allele origin: germline.
Comment: This sequence change replaces arginine, which is basic and polar, with cysteine, which is neutral and slightly polar, at codon 819 of the LRP2 protein (p.Arg819Cys). This variant is present in population databases (rs749942746, gnomAD 0.006%). This variant has not been reported in the literature in individuals affected with LRP2-related conditions. Advanced modeling of protein sequence and biophysical properties (such as structural, functional, and spatial information, amino acid conservation, physicochemical variation, residue mobility, and thermodynamic stability) performed at Invitae indicates that this missense variant is expected to disrupt LRP2 protein function. In summary, the available evidence is currently insufficient to determine the role of this variant in disease. Therefore, it has been classified as a Variant of Uncertain Significance.